The following is an entry in ClinVar:

NM_001365896.1(NACA):c.2892A>G (p.Thr964=)

Gene: NACA (nascent polypeptide associated complex subunit alpha; minus strand). Cytogenetic location: 12q13.3.
Variant type: single nucleotide variant.
Coding change: c.2892A>G on transcript NM_001365896.1 (MANE Select); coding-DNA position 2892, A replaced by G.
Protein change: p.Thr964=; no amino-acid change (threonine 964 retained).
Molecular consequence: synonymous variant. On other transcripts: intron variant (6).
Genome position (GRCh38, 1-based): chr12:56,718,638, T>C on the plus strand (A>G on the coding strand, the complement: NACA is on the minus strand). VCF-style: chr12-56718638-T-C. GRCh37 (hg19) VCF-style: chr12-57112422-T-C.
Other names: c.71-3951A>G (NM_001113202.2, NM_001320194.2, NM_001320193.2 and 2 more transcripts); c.1864+899A>G (NM_001113203.3).
Identifiers: ClinVar variation 3025862 (VCV003025862.22), dbSNP rs1253014743, ClinGen allele CA2038514919.

ClinVar aggregate classification (germline): Likely benign (1 of 4 stars; one submission).

Submission:

CeGaT Center for Human Genetics Tuebingen
Classification: Likely benign. Last evaluated: 2024-01-01. Review status: criteria provided, single submitter. Criteria: CeGaT Center For Human Genetics Tuebingen Variant Classification Criteria Version 2. Collection method: clinical testing. Allele origin: germline. Affected: yes. Observed: 1 variant allele.
Comment: NACA: PM2:Supporting, BP4, BP7